The following is an entry in ClinVar:

NM_000551.4(VHL):c.366A>C (p.Ala122=)

Genes: VHL (von Hippel-Lindau tumor suppressor; plus strand), LOC107303340 (3p25 von Hippel-Lindau tumor suppressor, E3 ubiquitin protein ligase Alu-mediated recombination region; plus strand). Cytogenetic location: 3p25.3.
Variant type: single nucleotide variant.
Coding change: c.366A>C on transcript NM_000551.4 (MANE Select); coding-DNA position 366, A replaced by C.
Protein change: p.Ala122=; no amino-acid change (alanine 122 retained).
Molecular consequence: synonymous variant. On other transcripts: intron variant (2).
Genome position (GRCh38, 1-based): chr3:10,146,539, A>C. VCF-style: chr3-10146539-A-C. GRCh37 (hg19) VCF-style: chr3-10188223-A-C.
Other names: c.*18-3248A>C (NM_001354723.2); c.341-3248A>C (NM_198156.3).
Identifiers: ClinVar variation 739486 (VCV000739486.14), dbSNP rs1474241640, ClinGen allele CA432421807.

ClinVar aggregate classification (germline): Benign/Likely benign. Review status: criteria provided, multiple submitters, no conflicts (2 of 4 stars). 5 submissions from 5 submitters: Benign (1); Likely benign (4). Last evaluated 2025-10-28.

Conditions:
Von Hippel-Lindau syndrome (VHLS). Also called: Von Hippel-Lindau; VHL syndrome; von Hippel–Lindau syndrome. Identifiers: Orphanet 892, MedGen C0019562, MONDO:0008667, OMIM 193300. Disease mechanism: loss of function.
Chuvash polycythemia. Also called: POLYCYTHEMIA, VHL-DEPENDENT. Identifiers: Orphanet 238557, MedGen C1837915, MONDO:0009892, OMIM 263400.
Hereditary cancer-predisposing syndrome. Also called: Hereditary neoplastic syndrome; Neoplastic Syndromes, Hereditary; Hereditary Cancer Syndrome; Tumor predisposition. Identifiers: Orphanet 140162, MedGen C0027672, MeSH D009386, MONDO:0015356.
VHL-related disorder. Also called: VHL-related condition.

Submissions (5):

PreventionGenetics, part of Exact Sciences
Classification: Likely benign for VHL-related condition. Last evaluated: 2025-10-28. Review status: criteria provided, single submitter. Criteria: ACMG Guidelines, 2015. Collection method: clinical testing. Allele origin: germline.
Comment: This variant is classified as likely benign based on ACMG/AMP sequence variant interpretation guidelines (Richards et al. 2015 PMID: 25741868, with internal and published modifications).

Labcorp Genetics (formerly Invitae), Labcorp
Classification: Likely benign for Von Hippel-Lindau syndrome; Chuvash polycythemia. Last evaluated: 2025-08-31. Review status: criteria provided, single submitter. Criteria: Invitae Variant Classification Sherloc (09022015). Collection method: clinical testing. Allele origin: germline.

Myriad Genetics, Inc.
Classification: Benign for Von Hippel-Lindau syndrome. Last evaluated: 2025-06-11. Review status: criteria provided, single submitter. Criteria: Myriad Autosomal Dominant, Autosomal Recessive and X-Linked Classification Criteria (2023). Collection method: clinical testing. Allele origin: unknown.
Comment: This variant is considered benign. This variant is a silent/synonymous amino acid change and it is not expected to impact splicing.

All of Us Research Program, National Institutes of Health
Classification: Likely benign for Von Hippel-Lindau syndrome. Last evaluated: 2024-04-16. Review status: criteria provided, single submitter. Criteria: ACMG Guidelines, 2015. Collection method: clinical testing. Allele origin: germline. Inheritance: Autosomal dominant inheritance. Observed: 1 variant allele, 1 heterozygote.
Comment: This study involves interpretation of variants in research participants for the purpose of population health screening. Participant phenotype was not available at the time of variant classification. Additional details can be found in publication PMID: 35346344, PMCID: PMC8962531

Ambry Genetics
Classification: Likely benign for Hereditary cancer-predisposing syndrome. Last evaluated: 2022-06-15. Review status: criteria provided, single submitter. Criteria: Ambry Variant Classification Scheme 2023. Collection method: clinical testing. Allele origin: germline.